The following is an entry in ClinVar:

NM_004859.4(CLTC):c.2332T>C (p.Cys778Arg)

Gene: CLTC (clathrin heavy chain; plus strand). Cytogenetic location: 17q23.1.
Variant type: single nucleotide variant.
Coding change: c.2332T>C on transcript NM_004859.4 (MANE Select); coding-DNA position 2332, T replaced by C.
Protein change: p.Cys778Arg; replaces cysteine 778 with arginine.
Molecular consequence: missense variant.
Genome position (GRCh38, 1-based): chr17:59,673,686, T>C. VCF-style: chr17-59673686-T-C. GRCh37 (hg19) VCF-style: chr17-57751047-T-C.
Other names: c.2344T>C, p.Cys782Arg (NM_001288653.2); short protein forms C778R, C782R.
Identifiers: ClinVar variation 985056 (VCV000985056.4), dbSNP rs2032904710, ClinGen allele CA400415079.
Genomic context (GRCh38, chr17:59,673,686, plus strand): 5'-TTTTGTTTGTCTTTTTTTCAGGAAGCAAAACTAACAGATCAGCTACCACTTATCATTGTG[T>C]GTGATCGATTTGACTTTGTCCATGATTTGGTGCTCTATTTATATAGAAATAATCTTCAAA-3'
Protein context (NP_004850.1, residues 768-788): LTDQLPLIIV[Cys778Arg]DRFDFVHDLV

ClinVar aggregate classification (germline): Uncertain significance (1 of 4 stars; one submission).

Conditions:
Inborn genetic diseases. Identifiers: MedGen C0950123, MeSH D030342.

Submission:

Ambry Genetics
Classification: Uncertain significance for Inborn genetic diseases. Last evaluated: 2022-10-07. Review status: criteria provided, single submitter. Criteria: Ambry Variant Classification Scheme 2023. Collection method: clinical testing. Allele origin: germline.
Comment: The c.2332T>C (p.C778R) alteration is located in coding exon 15 of the CLTC gene. This alteration results from a T to C substitution at nucleotide position 2332, causing the cysteine (C) at amino acid position 778 to be replaced by an arginine (R). This variant was not reported in population-based cohorts in the Genome Aggregation Database (gnomAD). This amino acid position is highly conserved in available vertebrate species. The in silico prediction for this alteration is inconclusive. Based on insufficient or conflicting evidence, the clinical significance of this alteration remains unclear.